The following is an entry in ClinVar:

NM_004935.4(CDK5):c.37+4A>G

Gene: CDK5 (cyclin dependent kinase 5; minus strand). Cytogenetic location: 7q36.1.
Variant type: single nucleotide variant.
Coding change: c.37+4A>G on transcript NM_004935.4 (MANE Select); 4 bases into the intron after coding-DNA position 37, A replaced by G.
Molecular consequence: intron variant.
Genome position (GRCh38, 1-based): chr7:151,057,808, T>C on the plus strand (A>G on the coding strand, the complement: CDK5 is on the minus strand). VCF-style: chr7-151057808-T-C. GRCh37 (hg19) VCF-style: chr7-150754895-T-C.
Other names: c.37+4A>G (NM_001164410.3).
Identifiers: ClinVar variation 1992448 (VCV001992448.4), dbSNP rs766606778, ClinGen allele CA4570638.

ClinVar aggregate classification (germline): Uncertain significance (1 of 4 stars; one submission).

Allele frequency attached by ClinVar (database versions not stated): TOPMed 0.00002; gnomAD exomes below 0.00001; ExAC 0.00001; gnomAD 0.00001.

Submission:

Labcorp Genetics (formerly Invitae), Labcorp
Classification: Uncertain significance. Last evaluated: 2022-08-10. Review status: criteria provided, single submitter. Criteria: Invitae Variant Classification Sherloc (09022015). Collection method: clinical testing. Allele origin: germline.
Comment: This variant has not been reported in the literature in individuals affected with CDK5-related conditions. In summary, the available evidence is currently insufficient to determine the role of this variant in disease. Therefore, it has been classified as a Variant of Uncertain Significance. Variants that disrupt the consensus splice site are a relatively common cause of aberrant splicing (PMID: 17576681, 9536098). Algorithms developed to predict the effect of sequence changes on RNA splicing suggest that this variant is not likely to affect RNA splicing. This variant is present in population databases (rs766606778, gnomAD 0.007%). This sequence change falls in intron 1 of the CDK5 gene. It does not directly change the encoded amino acid sequence of the CDK5 protein. It affects a nucleotide within the consensus splice site.

Literature cited by the submitters: PubMed 17576681; PubMed 9536098.